The following is an entry in ClinVar:

NM_001282426.2(PIK3CG):c.1429C>T (p.Arg477Cys)

Gene: PIK3CG (phosphatidylinositol-4,5-bisphosphate 3-kinase catalytic subunit gamma; plus strand). Cytogenetic location: 7q22.3.
Variant type: single nucleotide variant.
Coding change: c.1429C>T on transcript NM_001282426.2 (MANE Select); coding-DNA position 1429, C replaced by T.
Protein change: p.Arg477Cys; replaces arginine 477 with cysteine.
Molecular consequence: missense variant.
Genome position (GRCh38, 1-based): chr7:106,868,990, C>T. VCF-style: chr7-106868990-C-T. GRCh37 (hg19) VCF-style: chr7-106509435-C-T.
Other names: c.1429C>T, p.Arg477Cys (NM_001282427.2, NM_002649.3); short protein forms R477C.
Identifiers: ClinVar variation 4982971 (VCV004982971.1).

ClinVar aggregate classification (germline): Uncertain significance (1 of 4 stars; one submission).

Conditions:
PIK3CG-related disorder. Also called: PIK3CG-related condition.

gnomAD v4.1: 180 of 1,614,152 alleles (0.011%); highest among the groups gnomAD compares: African/African-American, 0.21%; 1 homozygote.

Submission:

PreventionGenetics, part of Exact Sciences
Classification: Uncertain significance for PIK3CG-related condition. Last evaluated: 2026-06-25. Review status: criteria provided, single submitter. Criteria: ACMG Guidelines, 2015. Collection method: clinical testing. Allele origin: germline.
Comment: The PIK3CG c.1429C>T variant is predicted to result in the amino acid substitution p.Arg477Cys. To our knowledge, this variant has not been reported in the literature. This variant is reported in 0.22% of alleles in individuals of African descent in gnomAD, including one homozygous individual, which may be too common to be causative. Although we suspect that this variant may be benign, at this time, the clinical significance of this variant is uncertain due to the absence of conclusive functional and genetic evidence.